The following is an entry in ClinVar:

NM_001267550.2(TTN):c.72988C>T (p.Pro24330Ser)

Genes: TTN (titin; minus strand), TTN-AS1 (TTN antisense RNA 1; plus strand). Cytogenetic location: 2q31.2.
Variant type: single nucleotide variant.
Coding change: c.72988C>T on transcript NM_001267550.2 (MANE Select); coding-DNA position 72988, C replaced by T.
Protein change: p.Pro24330Ser; replaces proline 24330 with serine.
Molecular consequence: missense variant.
Genome position (GRCh38, 1-based): chr2:178,573,144, G>A on the plus strand (C>T on the coding strand, the complement: TTN is on the minus strand). VCF-style: chr2-178573144-G-A. GRCh37 (hg19) VCF-style: chr2-179437871-G-A.
Other names: c.68065C>T, p.Pro22689Ser (NM_001256850.1); c.45793C>T, p.Pro15265Ser (NM_003319.4); c.65284C>T, p.Pro21762Ser (NM_133378.4); c.46168C>T, p.Pro15390Ser (NM_133432.3); c.46369C>T, p.Pro15457Ser (NM_133437.4); short protein forms P15265S, P15390S, P15457S, P21762S, P22689S, P24330S.
Identifiers: ClinVar variation 1803859 (VCV001803859.3), dbSNP rs878888593, ClinGen allele CA60999537.

ClinVar aggregate classification (germline): Uncertain significance. Review status: criteria provided, multiple submitters, no conflicts (2 of 4 stars). 2 submissions from 2 submitters: Uncertain significance (2). Last evaluated 2025-05-12.

Conditions:
Hypertrophic cardiomyopathy 9. Also called: Familial hypertrophic cardiomyopathy 9. Identifiers: MedGen C1861065, MONDO:0013412, OMIM 613765.
Dilated cardiomyopathy 1G (CMD1G). Identifiers: Orphanet 154, MedGen C1858763, MONDO:0011400, OMIM 604145.
TTN-related disorder. Also called: TTN-related disorders; TTN-related condition; TTN-related disease.

Allele frequency attached by ClinVar (database versions not stated): gnomAD exomes below 0.00001.
gnomAD v4.1: 1 of 1,613,136 alleles (0.000062%); highest among the groups gnomAD compares: Non-Finnish European, 0.000085%; no homozygotes.

Submissions (2):

PreventionGenetics, part of Exact Sciences
Classification: Uncertain significance for TTN-related condition. Last evaluated: 2025-05-12. Review status: criteria provided, single submitter. Criteria: ACMG Guidelines, 2015. Collection method: clinical testing. Allele origin: germline.
Comment: The TTN c.72988C>T variant is predicted to result in the amino acid substitution p.Pro24330Ser. To our knowledge, this variant has not been reported in the literature or in a large population database (gnomAD), indicating this variant is rare. At this time, the clinical significance of this variant is uncertain due to the absence of conclusive functional and genetic evidence.

New York Genome Center
Classification: Uncertain significance for Hypertrophic cardiomyopathy 9; Dilated cardiomyopathy 1G. Last evaluated: 2021-10-05. Review status: criteria provided, single submitter. Criteria: NYGC Assertion Criteria 2020. Collection method: clinical testing. Allele origin: germline. Observed: 1 heterozygote.